The following is an entry in ClinVar:

ClinVar aggregate classification (germline): Uncertain significance (1 of 4 stars; one submission).

Conditions:
Familial focal epilepsy with variable foci (FPEVF). Identifiers: Orphanet 98820, MedGen C1858477, MONDO:0020310.

Submission:

Labcorp Genetics (formerly Invitae), Labcorp
Classification: Uncertain significance for Familial focal epilepsy with variable foci. Last evaluated: 2019-03-19. Review status: criteria provided, single submitter. Criteria: Invitae Variant Classification Sherloc (09022015). Collection method: clinical testing. Allele origin: germline.
Comment: This copy number variant is a gain of the genomic region encompassing exons 32-43 of the DEPDC5 gene. The 5' boundary is likely confined to intron 31. The 3' end of this event is unknown as it extends beyond the assayed region for this gene and therefore may encompass additional genes. The exact location of this variant in the genome is unknown. This variant has not been reported in the literature in individuals with DEPDC5-related disease. In summary, the exact genomic location of this variant is unknown and the impact of this duplication on DEPDC5 protein function has not been established. Therefore, it has been classified as a Variant of Uncertain Significance.

NC_000022.10:g.(?_32253411)_(32302503_?)dup

Genes: DEPDC5 (DEP domain containing 5, GATOR1 subcomplex subunit; plus strand), LOC125446219 (Sharpr-MPRA regulatory region 5531; plus strand). Cytogenetic location: 22q12.3.
Variant type: Duplication.
Identifiers: ClinVar variation 534828 (VCV000534828.2).